The following is an entry in ClinVar:

ClinVar aggregate classification (germline): Benign. Review status: criteria provided, single submitter (1 of 4 stars). 2 submissions from 2 submitters: Benign (1). 1 of the submissions does not count toward it. Last evaluated 2025-12-03.

Conditions:
EXOSC9-related disorder. Also called: EXOSC9-related condition.

Allele frequency attached by ClinVar (database versions not stated): gnomAD 0.00002 and 0.00016; TOPMed 0.00004; gnomAD exomes 0.00044 and 0.00086; ExAC 0.00084; 1000 Genomes Project 0.00100; 1000 Genomes Project 30x 0.00109.
gnomAD v4.1: 671 of 1,612,504 alleles (0.042%); highest among the groups gnomAD compares: South Asian, 0.66%; 8 homozygotes.

Submissions (2):

Labcorp Genetics (formerly Invitae), Labcorp
Classification: Benign. Last evaluated: 2025-12-03. Review status: criteria provided, single submitter. Criteria: Invitae Variant Classification Sherloc (09022015). Collection method: clinical testing. Allele origin: germline.

PreventionGenetics, part of Exact Sciences
Classification: Likely benign for EXOSC9-related condition. Last evaluated: 2019-04-18. Review status: no assertion criteria provided. Collection method: clinical testing. Allele origin: germline. Not counted in ClinVar's aggregate classification.
Comment: This variant is classified as likely benign based on ACMG/AMP sequence variant interpretation guidelines (Richards et al. 2015 PMID: 25741868, with internal and published modifications).

NM_005033.3(EXOSC9):c.997A>C (p.Thr333Pro)

Gene: EXOSC9 (exosome component 9; plus strand). Cytogenetic location: 4q27.
Variant type: single nucleotide variant.
Coding change: c.997A>C on transcript NM_005033.3 (MANE Select); coding-DNA position 997, A replaced by C.
Protein change: p.Thr333Pro; replaces threonine 333 with proline.
Molecular consequence: missense variant.
Genome position (GRCh38, 1-based): chr4:121,813,888, A>C. VCF-style: chr4-121813888-A-C. GRCh37 (hg19) VCF-style: chr4-122735043-A-C.
Other names: c.997A>C (NM_001034194.1); c.997A>C, p.Thr333Pro (NM_001034194.2); short protein forms T333P.
Identifiers: ClinVar variation 1572957 (VCV001572957.10), dbSNP rs533678536, ClinGen allele CA3063599.